The following is an entry in ClinVar:

ClinVar aggregate classification (germline): Uncertain significance (1 of 4 stars; one submission).

Submission:

GeneDx
Classification: Uncertain significance. Last evaluated: 2024-03-08. Review status: criteria provided, single submitter. Criteria: GeneDx Variant Classification Process June 2021. Collection method: clinical testing. Allele origin: germline. Affected: yes.
Comment: Frameshift variant predicted to result in abnormal protein length as the last 73 amino acids are replaced with 11 different amino acids; Not observed at significant frequency in large population cohorts (gnomAD); Has not been previously published as pathogenic or benign to our knowledge

NM_006245.4(PPP2R5D):c.1589_1590del (p.Pro530fs)

Gene: PPP2R5D (protein phosphatase 2 regulatory subunit B'delta; plus strand). Cytogenetic location: 6p21.1.
Variant type: Deletion.
Coding change: c.1589_1590del on transcript NM_006245.4 (MANE Select); coding-DNA positions 1589 to 1590, 2 bases deleted (CT; older notation c.1589_1590delCT).
Protein change: p.Pro530fs; shifts the reading frame from proline 530.
Molecular consequence: frameshift variant.
Genome position (GRCh38, 1-based): chr6:43,010,915-43,010,916, CT deleted. VCF-style (leftmost placement, unchanged base first): chr6-43010914-CCT-C. GRCh37 (hg19) VCF-style: chr6-42978652-CCT-C.
Other names: c.1136_1137del, p.Pro379fs (NM_001270476.2); c.1493_1494del, p.Pro498fs (NM_180976.3); c.1271_1272del, p.Pro424fs (NM_180977.3); short protein forms P379fs, P424fs, P498fs, P530fs.
Identifiers: ClinVar variation 3369448 (VCV003369448.1).